The following is an entry in ClinVar:

ClinVar aggregate classification (germline): Uncertain significance (1 of 4 stars; one submission).

Submission:

CeGaT Center for Human Genetics Tuebingen
Classification: Uncertain significance. Last evaluated: 2025-06-01. Review status: criteria provided, single submitter. Criteria: CeGaT Center For Human Genetics Tuebingen Variant Classification Criteria Version 2. Collection method: clinical testing. Allele origin: germline. Affected: yes. Observed: 1 variant allele.
Comment: RPTOR: PM2

NM_020761.3(RPTOR):c.1001A>C (p.Gln334Pro)

Gene: RPTOR (regulatory associated protein of MTOR complex 1; plus strand). Cytogenetic location: 17q25.3.
Variant type: single nucleotide variant.
Coding change: c.1001A>C on transcript NM_020761.3 (MANE Select); coding-DNA position 1001, A replaced by C.
Protein change: p.Gln334Pro; replaces glutamine 334 with proline.
Molecular consequence: missense variant.
Genome position (GRCh38, 1-based): chr17:80,823,088, A>C. VCF-style: chr17-80823088-A-C. GRCh37 (hg19) VCF-style: chr17-78796888-A-C.
Other names: c.1001A>C, p.Gln334Pro (NM_001163034.2); short protein forms Q334P.
Identifiers: ClinVar variation 3905595 (VCV003905595.10).
Genomic context (GRCh38, chr17:80,823,088, plus strand): 5'-TGCTAGACACAAGTCACTGTAGACTCCTTTTTATCTTTTATCTGCCCTCAGATCTCTTCC[A>C]AAAGCTCTTCAGACAGGACTTGCTGGTGGCTAGTCTGTTTCGAAATTTTTTATTGGCGGA-3'
Protein context (NP_065812.1, residues 324-344): AWNVLPRDLF[Gln334Pro]KLFRQDLLVA